The following is an entry in ClinVar:

ClinVar aggregate classification (germline): Benign (0 of 4 stars; one submission).

Conditions:
PLXNA4-related disorder. Also called: PLXNA4-related condition.

Allele frequency attached by ClinVar (database versions not stated): ExAC 0.01319; gnomAD 0.02518; TOPMed 0.02681; ESP Exome Variant Server 0.02760; 1000 Genomes Project 0.02915; 1000 Genomes Project 30x 0.03061.
gnomAD v4.1: 19,386 of 1,614,120 alleles (1.2%); highest among the groups gnomAD compares: African/African-American, 7%; 295 homozygotes.

Submission:

PreventionGenetics, part of Exact Sciences
Classification: Benign for PLXNA4-related condition. Last evaluated: 2023-01-06. Review status: no assertion criteria provided. Collection method: clinical testing. Allele origin: germline.
Comment: This variant is classified as benign based on ACMG/AMP sequence variant interpretation guidelines (Richards et al. 2015 PMID: 25741868, with internal and published modifications).

NM_020911.2(PLXNA4):c.1371+4302G>C

Gene: PLXNA4 (plexin A4; minus strand). Cytogenetic location: 7q32.3.
Variant type: single nucleotide variant.
Coding change: c.1371+4302G>C on transcript NM_020911.2 (MANE Select); 4302 bases into the intron after coding-DNA position 1371, G replaced by C.
Molecular consequence: intron variant. On other transcripts: synonymous variant (1).
Genome position (GRCh38, 1-based): chr7:132,484,990, C>G on the plus strand (G>C on the coding strand, the complement: PLXNA4 is on the minus strand). VCF-style: chr7-132484990-C-G. GRCh37 (hg19) VCF-style: chr7-132169749-C-G.
Other names: c.1395G>C, p.Gly465= (NM_181775.4); c.1371+4302G>C (NM_001393897.1, NM_001105543.2).
Identifiers: ClinVar variation 3037285 (VCV003037285.2), dbSNP rs17852614, ClinGen allele CA4490273.